The following is an entry in ClinVar:

ClinVar aggregate classification (germline): Uncertain significance. Review status: criteria provided, multiple submitters, no conflicts (2 of 4 stars). 2 submissions from 2 submitters: Uncertain significance (2). Last evaluated 2024-05-12.

Conditions:
Mitochondrial complex IV deficiency, nuclear type 8. Also called: Mitochondrial complex 4 deficiency, nuclear type 8. Identifiers: MedGen C5436689, MONDO:0033638, OMIM 619052.

Allele frequency attached by ClinVar (database versions not stated): gnomAD exomes 0.00001.

Submissions (2):

Fulgent Genetics
Classification: Uncertain significance for Mitochondrial complex IV deficiency, nuclear type 8. Last evaluated: 2024-05-12. Review status: criteria provided, single submitter. Criteria: ACMG Guidelines, 2015. Collection method: clinical testing. Allele origin: germline.

Labcorp Genetics (formerly Invitae), Labcorp
Classification: Uncertain significance. Last evaluated: 2023-11-06. Review status: criteria provided, single submitter. Criteria: Invitae Variant Classification Sherloc (09022015). Collection method: clinical testing. Allele origin: germline.
Comment: This sequence change replaces histidine, which is basic and polar, with glutamine, which is neutral and polar, at codon 60 of the TACO1 protein (p.His60Gln). This variant is present in population databases (no rsID available, gnomAD 0.01%). This variant has not been reported in the literature in individuals affected with TACO1-related conditions. ClinVar contains an entry for this variant (Variation ID: 2067109). Advanced modeling of protein sequence and biophysical properties (such as structural, functional, and spatial information, amino acid conservation, physicochemical variation, residue mobility, and thermodynamic stability) performed at Invitae indicates that this missense variant is expected to disrupt TACO1 protein function with a positive predictive value of 80%. In summary, the available evidence is currently insufficient to determine the role of this variant in disease. Therefore, it has been classified as a Variant of Uncertain Significance.

NM_016360.4(TACO1):c.180C>A (p.His60Gln)

Gene: TACO1 (translational activator of cytochrome c oxidase I; plus strand). Cytogenetic location: 17q23.3.
Variant type: single nucleotide variant.
Coding change: c.180C>A on transcript NM_016360.4 (MANE Select); coding-DNA position 180, C replaced by A.
Protein change: p.His60Gln; replaces histidine 60 with glutamine.
Molecular consequence: missense variant.
Genome position (GRCh38, 1-based): chr17:63,601,263, C>A. VCF-style: chr17-63601263-C-A. GRCh37 (hg19) VCF-style: chr17-61678622-C-A.
Other names: short protein forms H60Q.
Identifiers: ClinVar variation 2067109 (VCV002067109.5), dbSNP rs1402929186, ClinGen allele CA400548546.